The following is an entry in ClinVar:

ClinVar aggregate classification (germline): Likely benign. Review status: criteria provided, multiple submitters, no conflicts (2 of 4 stars). 6 submissions from 6 submitters: Likely benign (4). 2 of the submissions do not count toward it. Last evaluated 2025-07-06.

Conditions:
Dilated cardiomyopathy 1G (CMD1G). Identifiers: Orphanet 154, MedGen C1858763, MONDO:0011400, OMIM 604145.
Autosomal recessive limb-girdle muscular dystrophy type 2J (LGMDR10). Also called: Limb-girdle muscular dystrophy, type 2J; MUSCULAR DYSTROPHY, LIMB-GIRDLE, AUTOSOMAL RECESSIVE 10. Identifiers: Orphanet 140922, MedGen C1837342, MONDO:0012127, OMIM 608807.
Cardiovascular phenotype. Identifiers: MedGen CN230736.
TTN-related disorder. Also called: TTN-related disorders; TTN-related condition; TTN-related disease.

Allele frequency attached by ClinVar (database versions not stated): gnomAD 0.00001; TOPMed 0.00001.
gnomAD v4.1: 11 of 1,610,544 alleles (0.00068%); highest among the groups gnomAD compares: South Asian, 0.0033%; no homozygotes.

Submissions (6):

Labcorp Genetics (formerly Invitae), Labcorp
Classification: Likely benign for Dilated cardiomyopathy 1G; Autosomal recessive limb-girdle muscular dystrophy type 2J. Last evaluated: 2025-07-06. Review status: criteria provided, single submitter. Criteria: Invitae Variant Classification Sherloc (09022015). Collection method: clinical testing. Allele origin: germline.

PreventionGenetics, part of Exact Sciences
Classification: Likely benign for TTN-related condition. Last evaluated: 2025-06-18. Review status: criteria provided, single submitter. Criteria: ACMG Guidelines, 2015. Collection method: clinical testing. Allele origin: germline.
Comment: This variant is classified as likely benign based on ACMG/AMP sequence variant interpretation guidelines (Richards et al. 2015 PMID: 25741868, with internal and published modifications).

Ambry Genetics
Classification: Likely benign for Cardiovascular phenotype. Last evaluated: 2020-11-15. Review status: criteria provided, single submitter. Criteria: Ambry Variant Classification Scheme 2023. Collection method: clinical testing. Allele origin: germline.

Blueprint Genetics
Classification: Likely benign. Last evaluated: 2018-09-27. Review status: criteria provided, single submitter. Criteria: ACMG Guidelines, 2015. Collection method: clinical testing. Allele origin: germline.

Clinical Genetics DNA and cytogenetics Diagnostics Lab, Erasmus MC, Erasmus Medical Center
Classification: Likely benign. Review status: no assertion criteria provided. Collection method: clinical testing. Allele origin: germline. Affected: yes. Study: VKGL Data-share Consensus. Not counted in ClinVar's aggregate classification.

Clinical Genetics, Academic Medical Center
Classification: Benign. Review status: no assertion criteria provided. Collection method: clinical testing. Allele origin: germline. Affected: yes. Study: VKGL Data-share Consensus. Not counted in ClinVar's aggregate classification.

NM_001267550.2(TTN):c.78921A>G (p.Thr26307=)

Genes: TTN (titin; minus strand), TTN-AS1 (TTN antisense RNA 1; plus strand). Cytogenetic location: 2q31.2.
Variant type: single nucleotide variant.
Coding change: c.78921A>G on transcript NM_001267550.2 (MANE Select); coding-DNA position 78921, A replaced by G.
Protein change: p.Thr26307=; no amino-acid change (threonine 26307 retained).
Molecular consequence: synonymous variant.
Genome position (GRCh38, 1-based): chr2:178,567,211, T>C on the plus strand (A>G on the coding strand, the complement: TTN is on the minus strand). VCF-style: chr2-178567211-T-C. GRCh37 (hg19) VCF-style: chr2-179431938-T-C.
Other names: c.73998A>G, p.Thr24666= (NM_001256850.1); c.51726A>G, p.Thr17242= (NM_003319.4); c.71217A>G, p.Thr23739= (NM_133378.4); c.52101A>G, p.Thr17367= (NM_133432.3); c.52302A>G, p.Thr17434= (NM_133437.4).
Identifiers: ClinVar variation 1299912 (VCV001299912.14), dbSNP rs761130018, ClinGen allele CA1989551.